The following is an entry in ClinVar:

ClinVar aggregate classification (germline): Benign/Likely benign. Review status: criteria provided, multiple submitters, no conflicts (2 of 4 stars). 3 submissions from 3 submitters: Benign (1); Likely benign (1). 1 of the submissions does not count toward it. Last evaluated 2024-01-23.

Conditions:
PLIN1-related disorder. Also called: PLIN1-related condition.

Allele frequency attached by ClinVar (database versions not stated): gnomAD 0.00085 and 0.00084; TOPMed 0.00097; 1000 Genomes Project 0.00140; 1000 Genomes Project 30x 0.00141; gnomAD exomes 0.00010 and 0.00026; ExAC 0.00036; ESP Exome Variant Server 0.00062.
gnomAD v4.1: 286 of 1,614,096 alleles (0.018%); highest among the groups gnomAD compares: African/African-American, 0.27%; 1 homozygote.

Submissions (3):

Blueprint Genetics
Classification: Likely benign. Last evaluated: 2024-01-23. Review status: criteria provided, single submitter. Criteria: ACMG Guidelines, 2015. Collection method: clinical testing. Allele origin: germline.

Labcorp Genetics (formerly Invitae), Labcorp
Classification: Benign. Last evaluated: 2018-08-16. Review status: criteria provided, single submitter. Criteria: Invitae Variant Classification Sherloc (09022015). Collection method: clinical testing. Allele origin: germline.

PreventionGenetics, part of Exact Sciences
Classification: Likely benign for PLIN1-related condition. Last evaluated: 2020-01-02. Review status: no assertion criteria provided. Collection method: clinical testing. Allele origin: germline. Not counted in ClinVar's aggregate classification.
Comment: This variant is classified as likely benign based on ACMG/AMP sequence variant interpretation guidelines (Richards et al. 2015 PMID: 25741868, with internal and published modifications).

NM_002666.5(PLIN1):c.1179C>T (p.Asn393=)

Gene: PLIN1 (perilipin 1; minus strand). Cytogenetic location: 15q26.1.
Variant type: single nucleotide variant.
Coding change: c.1179C>T on transcript NM_002666.5 (MANE Select); coding-DNA position 1179, C replaced by T.
Protein change: p.Asn393=; no amino-acid change (asparagine 393 retained).
Molecular consequence: synonymous variant.
Genome position (GRCh38, 1-based): chr15:89,666,966, G>A on the plus strand (C>T on the coding strand, the complement: PLIN1 is on the minus strand). VCF-style: chr15-89666966-G-A. GRCh37 (hg19) VCF-style: chr15-90210197-G-A.
Other names: c.1179C>T, p.Asn393= (NM_001145311.2).
Identifiers: ClinVar variation 728100 (VCV000728100.6), dbSNP rs150128694, ClinGen allele CA7728778.
Genomic context (GRCh38, chr15:89,666,966, plus strand): 5'-CACTAACAGTTTGCCAGGGGTGGTACTCACCGGCACGTAATGCACCACTGTGTCCACCAC[G>A]TTGTCAGTAACGCCCTTCAGGGCATCTGATAGGGACATGGCCCTCCCCTTGGTTGAGGAG-3'
Protein context (NP_002657.3, residues 383-403): LSDALKGVTD[Asn393=]VVDTVVHYVP